The following is an entry in ClinVar:

NM_024120.5(NDUFAF5):c.23G>A (p.Trp8Ter)

Genes: NDUFAF5 (NADH:ubiquinone oxidoreductase complex assembly factor 5; plus strand), LOC130065433 (ATAC-STARR-seq lymphoblastoid active region 17552; plus strand). Cytogenetic location: 20p12.1.
Variant type: single nucleotide variant.
Coding change: c.23G>A on transcript NM_024120.5 (MANE Select); coding-DNA position 23, G replaced by A.
Protein change: p.Trp8Ter; replaces tryptophan 8 with a stop codon.
Molecular consequence: nonsense. On other transcripts: 5 prime UTR variant (3), non-coding transcript variant (7).
Genome position (GRCh38, 1-based): chr20:13,785,091, G>A. VCF-style: chr20-13785091-G-A. GRCh37 (hg19) VCF-style: chr20-13765737-G-A.
Other names: c.23G>A (NM_024120.4); c.23G>A, p.Trp8Ter (NM_001039375.3, NM_001352408.2); c.-345G>A (NM_001352403.2); c.-559G>A (NM_001352406.2); c.-673G>A (NM_001352407.2); short protein forms W8*.
Identifiers: ClinVar variation 1983600 (VCV001983600.6), dbSNP rs1045938367, ClinGen allele CA408282103.

ClinVar aggregate classification (germline): Pathogenic/Likely pathogenic. Review status: criteria provided, multiple submitters, no conflicts (2 of 4 stars). 3 submissions from 3 submitters: Pathogenic (1); Likely pathogenic (2). Last evaluated 2024-03-22.

Conditions:
Mitochondrial complex I deficiency, nuclear type 16. Also called: Mitochondrial complex 1 deficiency, nuclear type 16. Identifiers: MedGen C4748785, MONDO:0032621, OMIM 618238.
Mitochondrial complex I deficiency. Also called: NADH:Q(1) OXIDOREDUCTASE DEFICIENCY. Identifiers: Orphanet 2609, MedGen C1838979, MeSH C537475, MONDO:0100133.

Submissions (3):

Natera, Inc.
Classification: Likely pathogenic for Mitochondrial complex I deficiency. Last evaluated: 2024-03-22. Review status: criteria provided, single submitter. Criteria: Natera Variant Classification Schema (03/2026). Collection method: clinical testing. Allele origin: germline.
Comment: The c.23G>A variant in NDUFAF5 is a nonsense variant predicted to introduce a stop codon at amino acid 8. This variant is expected to result in nonsense mediated decay, truncation, or a dysfunctional protein product. This variant is rare in the general population with a frequency below the threshold expected for the associated phenotype(s). Given the available evidence, this variant is classified as Likely Pathogenic.

Baylor Genetics
Classification: Likely pathogenic for Mitochondrial complex I deficiency, nuclear type 16. Last evaluated: 2023-03-20. Review status: criteria provided, single submitter. Criteria: ACMG Guidelines, 2015. Collection method: clinical testing. Allele origin: unknown.

Labcorp Genetics (formerly Invitae), Labcorp
Classification: Pathogenic. Last evaluated: 2022-02-17. Review status: criteria provided, single submitter. Criteria: Invitae Variant Classification Sherloc (09022015). Collection method: clinical testing. Allele origin: germline.
Comment: This premature translational stop signal has been observed in individual(s) with NDUFAF5-related conditions (PMID: 32918965). This sequence change creates a premature translational stop signal (p.Trp8*) in the NDUFAF5 gene. It is expected to result in an absent or disrupted protein product. Loss-of-function variants in NDUFAF5 are known to be pathogenic (PMID: 26275793, 30473481, 32918965). This variant is not present in population databases (gnomAD no frequency). Algorithms developed to predict the effect of sequence changes on RNA splicing suggest that this variant is not likely to affect RNA splicing. For these reasons, this variant has been classified as Pathogenic.

Literature cited by the submitters: PubMed 32918965 (cited by Labcorp Genetics (formerly Invitae), Labcorp); PubMed 26275793 (cited by Labcorp Genetics (formerly Invitae), Labcorp); PubMed 30473481 (cited by Labcorp Genetics (formerly Invitae), Labcorp).